The following is an entry in ClinVar:

NM_173354.5(SIK1):c.907G>A (p.Asp303Asn)

Gene: SIK1 (salt inducible kinase 1; minus strand). Cytogenetic location: 21q22.3.
Variant type: single nucleotide variant.
Coding change: c.907G>A on transcript NM_173354.5 (MANE Select); coding-DNA position 907, G replaced by A.
Protein change: p.Asp303Asn; replaces aspartic acid 303 with asparagine.
Molecular consequence: missense variant.
Genome position (GRCh38, 1-based): chr21:43,420,299, C>T on the plus strand (G>A on the coding strand, the complement: SIK1 is on the minus strand). VCF-style: chr21-43420299-C-T. GRCh37 (hg19) VCF-style: chr21-44840179-C-T.
Other names: short protein forms D303N.
Identifiers: ClinVar variation 476110 (VCV000476110.13), dbSNP rs769181075, ClinGen allele CA321326752.

ClinVar aggregate classification (germline): Conflicting classifications of pathogenicity. Review status: criteria provided, conflicting classifications (1 of 4 stars). 2 submissions from 2 submitters: Uncertain significance (1); Benign (1). Last evaluated 2025-10-03.

Conditions:
Inborn genetic diseases. Identifiers: MedGen C0950123, MeSH D030342.
Developmental and epileptic encephalopathy, 30 (DEE30). Also called: Epileptic encephalopathy, early infantile, 30. Identifiers: MedGen C4225360, MONDO:0014595, OMIM 616341.

Allele frequency attached by ClinVar (database versions not stated): ExAC 0.00003; gnomAD exomes 0.00002.

Submissions (2):

Labcorp Genetics (formerly Invitae), Labcorp
Classification: Benign for Developmental and epileptic encephalopathy, 30. Last evaluated: 2025-10-03. Review status: criteria provided, single submitter. Criteria: Invitae Variant Classification Sherloc (09022015). Collection method: clinical testing. Allele origin: germline.

Ambry Genetics
Classification: Uncertain significance for Inborn genetic diseases. Last evaluated: 2017-09-14. Review status: criteria provided, single submitter. Criteria: Ambry Variant Classification Scheme 2023. Collection method: clinical testing. Allele origin: germline.
Comment: The p.D303N variant (also known as c.907G>A), located in coding exon 7 of the SIK1 gene, results from a G to A substitution at nucleotide position 907. The aspartic acid at codon 303 is replaced by asparagine, an amino acid with highly similar properties. This amino acid position is not well conserved in available vertebrate species. In addition, this alteration is predicted to be tolerated by in silico analysis. Since supporting evidence is limited at this time, the clinical significance of this alteration remains unclear.